The following is an entry in ClinVar:

NM_177438.3(DICER1):c.5042C>T (p.Ala1681Val)

Gene: DICER1 (dicer 1, ribonuclease III; minus strand). Cytogenetic location: 14q32.13.
Variant type: single nucleotide variant.
Coding change: c.5042C>T on transcript NM_177438.3 (MANE Select); coding-DNA position 5042, C replaced by T.
Protein change: p.Ala1681Val; replaces alanine 1681 with valine.
Molecular consequence: missense variant. On other transcripts: non-coding transcript variant (6).
Genome position (GRCh38, 1-based): chr14:95,095,878, G>A on the plus strand (C>T on the coding strand, the complement: DICER1 is on the minus strand). VCF-style: chr14-95095878-G-A. GRCh37 (hg19) VCF-style: chr14-95562215-G-A.
Other names: c.5042C>T, p.Ala1681Val (NM_001195573.1, NM_001271282.3, NM_001291628.2 and 13 more transcripts); c.4760C>T, p.Ala1587Val (NM_001395686.1); c.4637C>T, p.Ala1546Val (NM_001395687.1, NM_001395688.1, NM_001395689.1 and 2 more transcripts); c.4475C>T, p.Ala1492Val (NM_001395691.1); c.3359C>T, p.Ala1120Val (NM_001395697.1); short protein forms A1587V, A1546V, A1120V, A1492V, A1681V.
Identifiers: ClinVar variation 1744958 (VCV001744958.2), dbSNP rs2542476980, ClinGen allele CA390866027.
Genomic context (GRCh38, chr14:95,095,878, plus strand): 5'-TCCTTACCAGTGATAGTATTGTAGTGGTAGGAGGCATGTGTAAAAGCCTGGAGAAGGTAA[G>A]CCTTATTCTTGAATCTGTAGTTGATTTTCTTTTCAAAATTTTCAAACCCCGATATAAGGT-3'
Protein context (NP_803187.1, residues 1671-1691): KKINYRFKNK[Ala1681Val]YLLQAFTHAS

ClinVar aggregate classification (germline): Uncertain significance (1 of 4 stars; one submission).

Conditions:
Hereditary cancer-predisposing syndrome. Also called: Hereditary Cancer Syndrome; Neoplastic Syndromes, Hereditary; Tumor predisposition; Hereditary neoplastic syndrome. Identifiers: Orphanet 140162, MedGen C0027672, MeSH D009386, MONDO:0015356.

Allele frequency attached by ClinVar (database versions not stated): gnomAD exomes 0.00001.
gnomAD v4.1: 10 of 1,614,154 alleles (0.00062%); highest among the groups gnomAD compares: Non-Finnish European, 0.00085%; no homozygotes.

Submission:

Ambry Genetics
Classification: Uncertain significance for Hereditary cancer-predisposing syndrome. Last evaluated: 2021-07-22. Review status: criteria provided, single submitter. Criteria: Ambry Variant Classification Scheme 2023. Collection method: clinical testing. Allele origin: germline.
Comment: The p.A1681V variant (also known as c.5042C>T), located in coding exon 22 of the DICER1 gene, results from a C to T substitution at nucleotide position 5042. The alanine at codon 1681 is replaced by valine, an amino acid with similar properties. This amino acid position is highly conserved in available vertebrate species. In addition, this alteration is predicted to be deleterious by in silico analysis. Since supporting evidence is limited at this time, the clinical significance of this alteration remains unclear.